The following is an entry in ClinVar:

NM_001754.5(RUNX1):c.74T>C (p.Met25Thr)

Gene: RUNX1 (RUNX family transcription factor 1; minus strand). Cytogenetic location: 21q22.12.
Variant type: single nucleotide variant.
Coding change: c.74T>C on transcript NM_001754.5 (MANE Select); coding-DNA position 74, T replaced by C.
Protein change: p.Met25Thr; replaces methionine 25 with threonine.
Molecular consequence: missense variant.
Genome position (GRCh38, 1-based): chr21:34,892,948, A>G on the plus strand (T>C on the coding strand, the complement: RUNX1 is on the minus strand). VCF-style: chr21-34892948-A-G. GRCh37 (hg19) VCF-style: chr21-36265245-A-G.
Other names: NM_001754.5(RUNX1):c.74T>C; p.Met25Thr; short protein forms M25T.
Identifiers: ClinVar variation 2990567 (VCV002990567.4), dbSNP rs1389244175, ClinGen allele CA410205737.

ClinVar aggregate classification (germline): Uncertain significance. Review status: reviewed by expert panel (3 of 4 stars). 2 submissions from 2 submitters: Uncertain significance (1). 1 of the submissions does not count toward it. Last evaluated 2024-10-29.

Conditions:
Hereditary thrombocytopenia and hematologic cancer predisposition syndrome. Identifiers: Orphanet 71290, MedGen CN281654, MONDO:0011071.
Hereditary thrombocytopenia and hematological cancer predisposition syndrome associated with RUNX1. Also called: RUNX1 Familial Platelet Disorder with Associated Myeloid Malignancies; Familial Platelet Disorder with Propensity to Acute Myelogenous Leukemia; Familial thrombocytopenia with propensity to acute myelogenous leukemia; PLATELET DISORDER, ASPIRIN-LIKE. Identifiers: Orphanet 71290, MedGen C1832388, MeSH C563324, MONDO:0100083, OMIM 601399.

Allele frequency attached by ClinVar (database versions not stated): gnomAD exomes below 0.00001; TOPMed below 0.00001.
gnomAD v4.1: 1 of 1,578,356 alleles (0.000063%); highest among the groups gnomAD compares: Non-Finnish European, 0.000087%; no homozygotes.

Submissions (2):

ClinGen Myeloid Malignancy Variant Curation Expert Panel
Classification: Uncertain significance for Hereditary thrombocytopenia and hematologic cancer predisposition syndrome. Last evaluated: 2024-10-29. Review status: reviewed by expert panel. Criteria: ClinGen MyeloMalig ACMG Specifications v2. Collection method: curation. Allele origin: germline. Inheritance: Autosomal dominant inheritance.
Comment: NM_001754.5(RUNX1):c.74T>C (p.Met25Thr) is a missense variant which is absent from gnomAD v2 and v3 (PM2_supporting). However, the highest population minor allele frequency in gnomAD v4.1 is 0.0000008710 (1/1,148,106 alleles) in the non-Finnish European population, which means PM2_supporting is not met. The variant has not been reported in the literature. The computational predictor REVEL gives a score of 0.24, which is below the threshold of 0.50, and the splice site predictor SpliceAI indicates that the variant has no impact on splicing, evidence that does not predict a damaging effect on RUNX1 function (BP4). In summary, this variant meets the criteria to be classified as a VUS for autosomal dominant hereditary thrombocytopenia and hematologic cancer predisposition syndrome based on the ACMG/AMP criteria applied, as specified by the ClinGen Myeloid Malignancy VCEP: BP4.

Labcorp Genetics (formerly Invitae), Labcorp
Classification: Uncertain significance for Hereditary thrombocytopenia and hematological cancer predisposition syndrome associated with RUNX1. Last evaluated: 2022-11-03. Review status: criteria provided, single submitter. Criteria: Invitae Variant Classification Sherloc (09022015). Collection method: clinical testing. Allele origin: germline. Not counted in ClinVar's aggregate classification.
Comment: In summary, the available evidence is currently insufficient to determine the role of this variant in disease. Therefore, it has been classified as a Variant of Uncertain Significance. Algorithms developed to predict the effect of missense changes on protein structure and function (SIFT, PolyPhen-2, Align-GVGD) all suggest that this variant is likely to be tolerated. This variant has not been reported in the literature in individuals affected with RUNX1-related conditions. This variant is not present in population databases (gnomAD no frequency). This sequence change replaces methionine, which is neutral and non-polar, with threonine, which is neutral and polar, at codon 25 of the RUNX1 protein (p.Met25Thr).